The following is an entry in ClinVar:

ClinVar aggregate classification (germline): Uncertain significance (1 of 4 stars; one submission).

Conditions:
Inborn genetic diseases. Identifiers: MedGen C0950123, MeSH D030342.

Submission:

Ambry Genetics
Classification: Uncertain significance for Inborn genetic diseases. Last evaluated: 2025-03-07. Review status: criteria provided, single submitter. Criteria: Ambry Variant Classification Scheme 2023. Collection method: clinical testing. Allele origin: germline.
Comment: The p.Q450R variant (also known as c.1349A>G), located in coding exon 10 of the BMPR2 gene, results from an A to G substitution at nucleotide position 1349. The glutamine at codon 450 is replaced by arginine, an amino acid with highly similar properties. This amino acid position is conserved. In addition, this alteration is predicted to be deleterious by in silico analysis. Based on the available evidence, the clinical significance of this variant remains unclear.

NM_001204.7(BMPR2):c.1349A>G (p.Gln450Arg)

Gene: BMPR2 (bone morphogenetic protein receptor type 2; plus strand). Cytogenetic location: 2q33.2.
Variant type: single nucleotide variant.
Coding change: c.1349A>G on transcript NM_001204.7 (MANE Select); coding-DNA position 1349, A replaced by G.
Protein change: p.Gln450Arg; replaces glutamine 450 with arginine.
Molecular consequence: missense variant.
Genome position (GRCh38, 1-based): chr2:202,542,383, A>G. VCF-style: chr2-202542383-A-G. GRCh37 (hg19) VCF-style: chr2-203407106-A-G.
Other names: short protein forms Q450R.
Identifiers: ClinVar variation 3824953 (VCV003824953.1).